The following is an entry in ClinVar:

NM_005012.4(ROR1):c.52_63dup (p.Ala18_Leu21dup)

Gene: ROR1 (receptor tyrosine kinase like orphan receptor 1; plus strand). Cytogenetic location: 1p31.3.
Variant type: Duplication.
Coding change: c.52_63dup on transcript NM_005012.4 (MANE Select); coding-DNA positions 52 to 63, 12 bases duplicated (GCCGCGCTGCTG).
Protein change: p.Ala18_Leu21dup.
Molecular consequence: inframe insertion.
Genome position (GRCh38, 1-based): chr1:63,774,469-63,774,480, GCCGCGCTGCTG duplicated; duplicating any 12 consecutive bases within chr1:63,774,460-63,774,480 gives the same sequence; the c. name uses the placement nearest the transcript's 3' end. VCF-style (leftmost placement, unchanged base first): chr1-63774459-G-GGCGCTGCTGGCC. GRCh37 (hg19) VCF-style: chr1-64240130-G-GGCGCTGCTGGCC.
Other names: c.52_63dup, p.Ala18_Leu21dup (NM_001083592.2).
Identifiers: ClinVar variation 1509071 (VCV001509071.6), dbSNP rs1182541863, ClinGen allele CA523657239.

ClinVar aggregate classification (germline): Uncertain significance (1 of 4 stars; one submission).

Submission:

Labcorp Genetics (formerly Invitae), Labcorp
Classification: Uncertain significance. Last evaluated: 2023-09-30. Review status: criteria provided, single submitter. Criteria: Invitae Variant Classification Sherloc (09022015). Collection method: clinical testing. Allele origin: germline.
Comment: In summary, the available evidence is currently insufficient to determine the role of this variant in disease. Therefore, it has been classified as a Variant of Uncertain Significance. Experimental studies and prediction algorithms are not available or were not evaluated, and the functional significance of this variant is currently unknown. ClinVar contains an entry for this variant (Variation ID: 1509071). This variant has not been reported in the literature in individuals affected with ROR1-related conditions. This variant is present in population databases (no rsID available, gnomAD 0.007%). This variant, c.52_63dup, results in the insertion of 4 amino acid(s) of the ROR1 protein (p.Ala18_Leu21dup), but otherwise preserves the integrity of the reading frame.